The following is an entry in ClinVar:

NM_001048174.2(MUTYH):c.420+1_493-25del

Gene: MUTYH (mutY DNA glycosylase; minus strand). Cytogenetic location: 1p34.1.
Variant type: Deletion.
Coding change: c.420+1_493-25del on transcript NM_001048174.2 (MANE Select); the canonical splice donor site of the intron after coding-DNA position 420 through 25 bases into the intron before coding-DNA position 493, 206 bases deleted.
Molecular consequence: splice acceptor variant, splice donor variant.
Genome position (GRCh38, 1-based): chr1:45,332,712-45,332,917, 206 bases deleted. GRCh37 (hg19): chr1:45,798,384-45,798,589.
Other names: c.75+1_148-25del (NM_001350651.2, NM_001350650.2); c.144+1_217-25del (NM_001293192.2, NM_001293196.2); c.420+1_493-25del (NM_001048171.2, NM_001048173.2, NM_001293195.2); c.465+1_538-25del (NM_001293190.2); c.495+1_568-25del (NM_012222.3); c.504+1_577-25del (NM_001128425.2); c.423+1_496-25del (NM_001048172.2); c.453+1_526-25del (NM_001293191.2).
Identifiers: ClinVar variation 937969 (VCV000937969.8), dbSNP rs1645164432, ClinGen allele CA1139655531.

ClinVar aggregate classification (germline): Likely pathogenic (1 of 4 stars; one submission).

Conditions:
Familial adenomatous polyposis 2. Also called: Adenomas, multiple colorectal; MUTYH Polyposis; COLORECTAL ADENOMATOUS POLYPOSIS, AUTOSOMAL RECESSIVE; ADENOMAS, MULTIPLE COLORECTAL, AUTOSOMAL RECESSIVE; MUTYH-associated polyposis; MUTYH-related attenuated familial adenomatous polyposis. Identifiers: Orphanet 220460, Orphanet 247798, MedGen C3272841, MONDO:0012041, OMIM 608456.

Submission:

Labcorp Genetics (formerly Invitae), Labcorp
Classification: Likely pathogenic for Familial adenomatous polyposis 2. Last evaluated: 2019-06-17. Review status: criteria provided, single submitter. Criteria: Invitae Variant Classification Sherloc (09022015). Collection method: clinical testing. Allele origin: germline.
Comment: In summary, the currently available evidence indicates that the variant is pathogenic, but additional data are needed to prove that conclusively. Therefore, this variant has been classified as Likely Pathogenic. This variant disrupt the p.Tyr179 amino acid residue in MUTYH. Other variant(s) that disrupt this residue have been determined to be pathogenic (PMID: 12606733, 16557584, 17489848, 19793053, 21063410, 24444654). This suggests that this residue is clinically significant, and that variants that disrupt this residue are likely to be disease-causing. This variant has not been reported in the literature in individuals with MUTYH-related conditions. This variant is an in-frame deletion of the genomic region encompassing exon 7 (c.504+1_577-25del) of the MUTYH gene. It preserves the integrity of the reading frame.

Literature cited by the submitters: PubMed 12606733; PubMed 16557584; PubMed 17489848; PubMed 19793053; PubMed 21063410; PubMed 24444654.